The following is an entry in ClinVar:

NM_021008.4(DEAF1):c.1105G>A (p.Asp369Asn)

Gene: DEAF1 (DEAF1 transcription factor; minus strand). Cytogenetic location: 11p15.5.
Variant type: single nucleotide variant.
Coding change: c.1105G>A on transcript NM_021008.4 (MANE Select); coding-DNA position 1105, G replaced by A.
Protein change: p.Asp369Asn; replaces aspartic acid 369 with asparagine.
Molecular consequence: missense variant.
Genome position (GRCh38, 1-based): chr11:679,709, C>T on the plus strand (G>A on the coding strand, the complement: DEAF1 is on the minus strand). VCF-style: chr11-679709-C-T. GRCh37 (hg19) VCF-style: chr11-679709-C-T.
Other names: c.838G>A, p.Asp280Asn (NM_001293634.2); c.379G>A, p.Asp127Asn (NM_001367390.1); short protein forms D127N, D280N, D369N.
Identifiers: ClinVar variation 2795668 (VCV002795668.3), dbSNP rs1474675826, ClinGen allele CA378926019.

ClinVar aggregate classification (germline): Uncertain significance (1 of 4 stars; one submission).

Allele frequency attached by ClinVar (database versions not stated): gnomAD exomes below 0.00001; TOPMed 0.00001; gnomAD 0.00002.
gnomAD v4.1: 9 of 1,612,888 alleles (0.00056%); highest among the groups gnomAD compares: African/African-American, 0.004%; no homozygotes.

Submission:

Labcorp Genetics (formerly Invitae), Labcorp
Classification: Uncertain significance. Last evaluated: 2025-10-11. Review status: criteria provided, single submitter. Criteria: Invitae Variant Classification Sherloc (09022015). Collection method: clinical testing. Allele origin: germline.
Comment: This sequence change replaces aspartic acid, which is acidic and polar, with asparagine, which is neutral and polar, at codon 369 of the DEAF1 protein (p.Asp369Asn). This variant is present in population databases (no rsID available, gnomAD 0.006%). This variant has not been reported in the literature in individuals affected with DEAF1-related conditions. ClinVar contains an entry for this variant (Variation ID: 2795668). Invitae Evidence Modeling of protein sequence and biophysical properties (such as structural, functional, and spatial information, amino acid conservation, physicochemical variation, residue mobility, and thermodynamic stability) has been performed for this missense variant. However, the output from this modeling did not meet the statistical confidence thresholds required to predict the impact of this variant on DEAF1 protein function. In summary, the available evidence is currently insufficient to determine the role of this variant in disease. Therefore, it has been classified as a Variant of Uncertain Significance.